The following is an entry in ClinVar:

ClinVar aggregate classification (germline): Uncertain significance (1 of 4 stars; one submission).

Allele frequency attached by ClinVar (database versions not stated): gnomAD exomes below 0.00001.
gnomAD v4.1: 1 of 1,614,070 alleles (0.000062%); highest among the groups gnomAD compares: Non-Finnish European, 0.000085%; no homozygotes.

Submission:

GeneDx
Classification: Uncertain significance. Last evaluated: 2026-01-18. Review status: criteria provided, single submitter. Criteria: GeneDx Variant Classification Process June 2021. Collection method: clinical testing. Allele origin: germline. Affected: yes.
Comment: Not observed at significant frequency in large population cohorts (gnomAD); In silico analysis supports that this missense variant has a deleterious effect on protein structure/function; Has not been previously published as pathogenic or benign to our knowledge

NM_001287491.2(TET3):c.3001C>T (p.Pro1001Ser)

Gene: TET3 (tet methylcytosine dioxygenase 3; plus strand). Cytogenetic location: 2p13.1.
Variant type: single nucleotide variant.
Coding change: c.3001C>T on transcript NM_001287491.2 (MANE Select); coding-DNA position 3001, C replaced by T.
Protein change: p.Pro1001Ser; replaces proline 1001 with serine.
Molecular consequence: missense variant.
Genome position (GRCh38, 1-based): chr2:74,090,009, C>T. VCF-style: chr2-74090009-C-T. GRCh37 (hg19) VCF-style: chr2-74317136-C-T.
Other names: c.2722C>T, p.Pro908Ser (NM_001366022.1); c.2596C>T, p.Pro866Ser (NM_144993.1); short protein forms P1001S, P866S, P908S.
Identifiers: ClinVar variation 1723493 (VCV001723493.3), dbSNP rs2467635365, ClinGen allele CA347311979.